The following is an entry in ClinVar:

ClinVar aggregate classification (germline): not provided (0 of 4 stars; one submission).

Conditions:
Normal pregnancy. Identifiers: MedGen C0232989.

Submission:

Institute of Molecular and Cell Biology, University of Tartu
No classification provided. Condition: Normal pregnancy. Review status: no classification provided. Collection method: case-control. Allele origin: unknown. Affected: yes. Study: Kasak2014.
Comment: The study aimed to determine the contribution of copy number variants in the genetic etiology of normal and complicated pregnancies. The samples represented (i) maternal blood DNA drawn from healthy pregnant women during 1st or 2nd trimester and (ii) maternal and paternal blood DNA drawn at term pregnancy cases representing normal and complicated gestations (severe preeclampsia, PE; gestational diabetes, GD; small-for-gestational age newborn, SGA; large-for-gestational age newborn, LGA). We performed CNV calling based on genome-wide genotyping dataset (Illumina HumanOmniExpress-24-v1 BeadChip) by applying three algorithms, QuantiSNP, GADA (Genome Alteration Detection Algorithm) and CNstream in parallel. The acquired CNV calls were merged with HD-CNV (Hotspot Detector for Copy Number Variants) program and only the CNVs predicted by at least two programs, were considered in subsequent analysis.

Literature cited by the submitters: PubMed 25666259.

CM000668.1:g.66593133_66622346dup

Variant type: Duplication.
Identifiers: ClinVar variation 157015 (VCV000157015.2).